The following is an entry in ClinVar:

ClinVar aggregate classification (germline): Benign. Review status: criteria provided, multiple submitters, no conflicts (2 of 4 stars). 5 submissions from 5 submitters: Benign (4). 1 of the submissions does not count toward it. Last evaluated 2026-01-29.

Conditions:
COX8A-related disorder. Also called: COX8A-related condition.

Allele frequency attached by ClinVar (database versions not stated): ExAC 0.01887; gnomAD 0.02674 and 0.02807; ESP Exome Variant Server 0.02848; TOPMed 0.03115; 1000 Genomes Project 0.03454; 1000 Genomes Project 30x 0.03638.
gnomAD v4.1: 10,354 of 1,609,600 alleles (0.64%); highest among the groups gnomAD compares: African/African-American, 8.4%; 313 homozygotes.

Submissions (5):

Labcorp Genetics (formerly Invitae), Labcorp
Classification: Benign. Last evaluated: 2026-01-29. Review status: criteria provided, single submitter. Criteria: Invitae Variant Classification Sherloc (09022015). Collection method: clinical testing. Allele origin: germline.

Mayo Clinic Laboratories, Mayo Clinic
Classification: Benign. Last evaluated: 2022-11-13. Review status: criteria provided, single submitter. Criteria: ACMG Guidelines, 2015. Collection method: clinical testing. Allele origin: germline. Observed: 13 variant alleles.

GeneDx
Classification: Benign. Last evaluated: 2018-06-14. Review status: criteria provided, single submitter. Criteria: GeneDx Variant Classification (06012015). Collection method: clinical testing. Allele origin: germline. Affected: yes.
Comment: This variant is considered likely benign or benign based on one or more of the following criteria: it is a conservative change, it occurs at a poorly conserved position in the protein, it is predicted to be benign by multiple in silico algorithms, and/or has population frequency not consistent with disease.

Breakthrough Genomics
Classification: Benign. Review status: criteria provided, single submitter. Criteria: ACMG Guidelines, 2015. Collection method: not provided. Allele origin: germline. Inheritance: Autosomal recessive inheritance. Affected: yes.

PreventionGenetics, part of Exact Sciences
Classification: Benign for COX8A-related condition. Last evaluated: 2020-01-06. Review status: no assertion criteria provided. Collection method: clinical testing. Allele origin: germline. Not counted in ClinVar's aggregate classification.
Comment: This variant is classified as benign based on ACMG/AMP sequence variant interpretation guidelines (Richards et al. 2015 PMID: 25741868, with internal and published modifications).

NM_004074.3(COX8A):c.22C>T (p.Leu8=)

Genes: COX8A (cytochrome c oxidase subunit 8A; plus strand), LOC130005904 (ATAC-STARR-seq lymphoblastoid active region 4880; plus strand). Cytogenetic location: 11q13.1.
Variant type: single nucleotide variant.
Coding change: c.22C>T on transcript NM_004074.3 (MANE Select); coding-DNA position 22, C replaced by T.
Protein change: p.Leu8=; no amino-acid change (leucine 8 retained).
Molecular consequence: synonymous variant.
Genome position (GRCh38, 1-based): chr11:63,974,702, C>T. VCF-style: chr11-63974702-C-T. GRCh37 (hg19) VCF-style: chr11-63742174-C-T.
Other names: p.Leu8=.
Identifiers: ClinVar variation 673121 (VCV000673121.13), dbSNP rs7130187, ClinGen allele CA6066713.